The following is an entry in ClinVar:

ClinVar aggregate classification (germline): Pathogenic. Review status: criteria provided, multiple submitters, no conflicts (2 of 4 stars). 34 submissions from 28 submitters: Pathogenic (26). 8 of the submissions do not count toward it. Last evaluated 2026-07-31.

Conditions:
Retinal dystrophy. Also called: Inherited retinal dystrophy. Identifiers: Orphanet 71862, MedGen C0854723, MeSH D058499, MONDO:0019118, HP:0000556.
Retinal degeneration. Identifiers: MedGen C0035304, MeSH D012162, MONDO:0004580, HP:0000546.
USH2A-related disorder. Also called: USH2A-related disorders; USH2A-related condition. Identifiers: MedGen CN239332.
Rare genetic deafness. Identifiers: Orphanet 96210, MedGen C5680250.
Usher syndrome. Also called: Usher Syndromes; Usher's syndrome. Identifiers: Orphanet 886, MedGen CN469326, MeSH D052245, MONDO:0019501. Disease mechanism: loss of function.
Retinitis pigmentosa 39 (RP39). Identifiers: Orphanet 791, MedGen C3151138, MONDO:0013436, OMIM 613809.
Usher syndrome type 2A. Also called: USHER SYNDROME, TYPE IIA; RETINAL DISEASE IN USHER SYNDROME TYPE IIA, MODIFIER OF. Identifiers: Orphanet 231178, Orphanet 886, MedGen C1848634, MONDO:0010169, OMIM 276901.
Retinitis pigmentosa (RP). Identifiers: Orphanet 791, MedGen C0035334, MeSH D012174, MONDO:0019200, OMIM 268000. Inheritance: Autosomal dominant, autosomal recessive and X linked inheritance.
Retinal disorder. Also called: Retinopathies; Retinal Diseases; Retinal disorders; Retinopathy. Identifiers: MedGen C0035309, MONDO:0005283, HP:0000488.

Submissions 1 to 14 of 34:

PreventionGenetics, part of Exact Sciences
Classification: Pathogenic for USH2A-related condition. Last evaluated: 2026-07-31. Review status: criteria provided, single submitter. Criteria: ACMG Guidelines, 2015. Collection method: clinical testing. Allele origin: germline.
Comment: The USH2A c.920_923dupGCCA variant is predicted to result in a frameshift and premature protein termination (p.His308Glnfs*16). This variant is also referred to as 921-22insCAGC in the literature. It has been reported in the homozygous state or with a second USH2A variant in individuals with retinitis pigmentosa or Usher syndrome (see, for example: Dreyer et al. 2000. PubMed ID: 10909849; Weston et al. 2000. PubMed ID: 10729113; Sandberg et al. 2008. PubMed ID: 18641288; Table S1, Lin et al. 2024. PubMed ID: 38219857). This variant has also been reported to segregate with disease in affected family members (Corton et al. 2013. PubMed ID: 23940504). This variant is reported in 0.012% of alleles in individuals of European (non-Finnish) descent in gnomAD. Frameshift variants in USH2A are expected to be pathogenic. This variant is interpreted as pathogenic.

CeGaT Center for Human Genetics Tuebingen
Classification: Pathogenic. Last evaluated: 2026-04-01. Review status: criteria provided, single submitter. Criteria: CeGaT Center For Human Genetics Tuebingen Variant Classification Criteria Version 2. Collection method: clinical testing. Allele origin: germline. Affected: yes. Observed: 7 variant alleles.
Comment: USH2A: PM3:Very Strong, PVS1, PP1:Strong, PM2

Labcorp Genetics (formerly Invitae), Labcorp
Classification: Pathogenic. Last evaluated: 2026-01-14. Review status: criteria provided, single submitter. Criteria: Invitae Variant Classification Sherloc (09022015). Collection method: clinical testing. Allele origin: germline.
Comment: This sequence change creates a premature translational stop signal (p.His308Glnfs*16) in the USH2A gene. It is expected to result in an absent or disrupted protein product. Loss-of-function variants in USH2A are known to be pathogenic (PMID: 10729113, 10909849, 20507924, 25649381). This variant is present in population databases (rs397518043, gnomAD 0.01%). This premature translational stop signal has been observed in individuals with retinal dystrophy and Usher syndrome 2A (PMID: 10729113, 23940504, 26806561, 26969326). It has also been observed to segregate with disease in related individuals. This variant is also known as 921-922insCAGC. ClinVar contains an entry for this variant (Variation ID: 48615). For these reasons, this variant has been classified as Pathogenic.

3billion
Classification: Pathogenic for Usher syndrome type 2A. Last evaluated: 2025-11-11. Review status: criteria provided, single submitter. Criteria: ACMG Guidelines, 2015. Collection method: clinical testing. Allele origin: germline. Affected: yes.
Comment: The variant is observed at an extremely low frequency in the gnomAD v4.1.0 dataset (total allele frequency: 0.015%). Predicted Consequence/Location: Frameshift: predicted to result in a loss or disruption of normal protein function through nonsense-mediated decay (NMD) or protein truncation. Multiple pathogenic variants are reported downstream of the variant. The variant has been reported at least twice as pathogenic with clinical assertions and evidence for the classification (ClinVar ID: VCV000048615 /PMID: 10729113). Therefore, this variant is classified as Pathogenic according to the recommendation of ACMG/AMP guideline.

Genetics Laboratory, Great Ormond Street Hospital NHS Foundation Trust, North Thames Genomic Laboratory Hub
Classification: Pathogenic for Retinal disorders. Last evaluated: 2025-11-07. Review status: criteria provided, single submitter. Criteria: ACGS Best Practice Guidelines for Variant Classification in Rare Disease 2024 v1.2. Collection method: clinical testing. Allele origin: germline. Affected: yes.
Comment: PM2_supporting, PVS1_very-strong, PM3_very-strong

Institute of Medical Genetics and Applied Genomics, University Hospital Tübingen
Classification: Pathogenic for Retinitis pigmentosa 39. Last evaluated: 2025-09-08. Review status: criteria provided, single submitter. Criteria: ACMG Guidelines, 2015. Collection method: clinical testing. Allele origin: germline. Inheritance: Autosomal recessive inheritance. Affected: yes.

Natera, Inc.
Classification: Pathogenic for Usher syndrome type 2A. Last evaluated: 2025-05-21. Review status: criteria provided, single submitter. Criteria: Natera Variant Classification Schema (03/2026). Collection method: clinical testing. Allele origin: germline.
Comment: The c.920_923dupGCCA variant in USH2A is a frameshift variant predicted to shift the reading frame beginning at codon 308 and leads to a stop codon 16 codons downstream. This variant is expected to result in nonsense mediated decay, truncation, or a dysfunctional protein product. This variant is rare in the general population with a frequency below the threshold expected for the associated phenotype(s). This variant has been observed in one or more individuals affected with the associated recessive disease, as either homozygous or compound heterozygous with a second variant (PMID: 10909849). Given the available evidence, this variant is classified as Pathogenic.

Clinical Genetics Laboratory, University Hospital Schleswig-Holstein
Classification: Pathogenic for Usher syndrome type 2A; Retinitis pigmentosa 39. Last evaluated: 2025-03-18. Review status: criteria provided, single submitter. Criteria: ACMG Guidelines, 2015. Collection method: clinical testing. Allele origin: germline. Affected: yes. Observed: 1 heterozygote.
Comment: ACMG criteria applied: PM2, PS4, PVS1, PP4

Blueprint Genetics
Classification: Pathogenic for USH2A-related disorders. Last evaluated: 2024-07-10. Review status: criteria provided, single submitter. Criteria: ACMG Guidelines, 2015. Collection method: clinical testing. Allele origin: germline. Affected: yes. Observed: 5 variant alleles.

Baylor Genetics
Classification: Pathogenic for Retinitis pigmentosa 39. Last evaluated: 2024-03-22. Review status: criteria provided, single submitter. Criteria: ACMG Guidelines, 2015. Collection method: clinical testing. Allele origin: unknown.

Genome-Nilou Lab
Classification: Pathogenic for Retinitis pigmentosa 39. Last evaluated: 2023-11-04. Review status: criteria provided, single submitter. Criteria: ACMG Guidelines, 2015. Collection method: clinical testing. Allele origin: germline. Affected: no.

Genome-Nilou Lab
Classification: Pathogenic for Usher syndrome type 2A. Last evaluated: 2023-11-04. Review status: criteria provided, single submitter. Criteria: ACMG Guidelines, 2015. Collection method: clinical testing. Allele origin: germline. Affected: no.

Women's Health and Genetics/Laboratory Corporation of America, LabCorp
Classification: Pathogenic for Usher syndrome. Last evaluated: 2022-09-19. Review status: criteria provided, single submitter. Criteria: LabCorp Variant Classification Summary - May 2015. Collection method: clinical testing. Allele origin: germline.
Comment: Variant summary: USH2A c.920_923dupGCCA (p.His308GlnfsX16) results in a premature termination codon, predicted to cause a truncation of the encoded protein or absence of the protein due to nonsense mediated decay, which are commonly known mechanisms for disease. Truncations downstream of this position have been classified as pathogenic by our laboratory. The variant allele was found at a frequency of 5.6e-05 in 250562 control chromosomes (gnomAD). This frequency is not significantly higher than expected for a pathogenic variant in USH2A causing Usher Syndrome (5.6e-05 vs 0.011), allowing no conclusion about variant significance. c.920_923dupGCCA has been reported in the literature in multiple compound heterozygous and homozygous individuals affected with Usher Syndrome (Wafa_2020, Mansard_2021). These data indicate that the variant is very likely to be associated with disease. To our knowledge, no experimental evidence demonstrating an impact on protein function has been reported. 16 ClinVar submitters (evaluation after 2014) cite the variant as pathogenic. Based on the evidence outlined above, the variant was classified as pathogenic.

Institute of Human Genetics, University of Leipzig Medical Center
Classification: Pathogenic for Usher syndrome type 2A. Last evaluated: 2022-06-22. Review status: criteria provided, single submitter. Criteria: ACMG Guidelines, 2015. Collection method: clinical testing. Allele origin: maternal. Inheritance: Autosomal recessive inheritance. Affected: yes.
Comment: Criteria applied: PVS1,PM3_VSTR

NM_206933.4(USH2A):c.920_923dup (p.His308fs)

Gene: USH2A (usherin; minus strand). Cytogenetic location: 1q41.
Variant type: Duplication.
Coding change: c.920_923dup on transcript NM_206933.4 (MANE Select); coding-DNA positions 920 to 923, 4 bases duplicated (GCCA; older notation c.920_923dupGCCA).
Protein change: p.His308fs; shifts the reading frame from histidine 308.
Molecular consequence: frameshift variant.
Genome position (GRCh38, 1-based): chr1:216,325,525-216,325,528, TGGC duplicated on the plus strand (GCCA on the coding strand, the reverse complement: USH2A is on the minus strand); duplicating any 4 consecutive bases within chr1:216,325,525-216,325,530 gives the same sequence; the c. name uses the placement nearest the transcript's 3' end. VCF-style (leftmost placement, unchanged base first): chr1-216325524-G-GTGGC. GRCh37 (hg19) VCF-style: chr1-216498866-G-GTGGC.
Other names: p.His308fs; c.920_923dup (NM_206933.3); c.920_923dup, p.His308fs (NM_007123.6); c.920_923dupGCCA (NM_206933.3); short protein forms H308fs.
Identifiers: ClinVar variation 48615 (VCV000048615.90), dbSNP rs397518043, ClinGen allele CA262127.